The following is an entry in ClinVar:

ClinVar aggregate classification (germline): Uncertain significance (1 of 4 stars; one submission).

Allele frequency attached by ClinVar (database versions not stated): gnomAD exomes 0.00001; TOPMed 0.00001.

Submission:

Laboratory for Molecular Medicine, Mass General Brigham Personalized Medicine
Classification: Uncertain significance. Last evaluated: 2019-08-27. Review status: criteria provided, single submitter. Criteria: LMM Criteria. Collection method: clinical testing. Allele origin: germline. Observed: 1 variant allele.
Comment: The p.Ala406Gly variant in USH1G has not been previously reported in individuals with hearing loss or Usher syndrome, but has been identified in 0.006% (2/34514) of Latino chromosomes by gnomAD. Computational prediction tools and conservation analysis suggest that this variant may not impact the protein, though this information is not predictive enough to rule out pathogenicity. In summary, the clinical significance of this variant is uncertain. ACMG/AMP Criteria applied: PM2, BP4.

NM_173477.5(USH1G):c.1217C>G (p.Ala406Gly)

Gene: USH1G (USH1 protein network component sans; minus strand). Cytogenetic location: 17q25.1.
Variant type: single nucleotide variant.
Coding change: c.1217C>G on transcript NM_173477.5 (MANE Select); coding-DNA position 1217, C replaced by G.
Protein change: p.Ala406Gly; replaces alanine 406 with glycine.
Molecular consequence: missense variant.
Genome position (GRCh38, 1-based): chr17:74,919,619, G>C on the plus strand (C>G on the coding strand, the complement: USH1G is on the minus strand). VCF-style: chr17-74919619-G-C. GRCh37 (hg19) VCF-style: chr17-72915714-G-C.
Other names: c.908C>G, p.Ala303Gly (NM_001282489.3); short protein forms A303G, A406G.
Identifiers: ClinVar variation 929926 (VCV000929926.4), dbSNP rs1282068985, ClinGen allele CA400961429.